The following is an entry in ClinVar:

NM_033305.3(VPS13A):c.7662_7663insTATAAGAGACA (p.Val2555fs)

Gene: VPS13A (vacuolar protein sorting 13 homolog A; plus strand). Cytogenetic location: 9q21.2.
Variant type: Insertion.
Coding change: c.7662_7663insTATAAGAGACA on transcript NM_033305.3 (MANE Select); coding-DNA positions 7662 to 7663, TATAAGAGACA inserted.
Protein change: p.Val2555fs; shifts the reading frame from valine 2555.
Molecular consequence: frameshift variant.
Genome position: GRCh38 VCF-style: chr9-77356723-G-GTATAAGAGACA. GRCh37 (hg19) VCF-style: chr9-79971639-G-GTATAAGAGACA.
Other names: c.7545_7546insTATAAGAGACA, p.Val2516fs (NM_001018037.2); c.7662_7663insTATAAGAGACA, p.Val2555fs (NM_001018038.3, NM_015186.4); short protein forms V2516fs, V2555fs.
Identifiers: ClinVar variation 5010799 (VCV005010799.1).

ClinVar aggregate classification (germline): Pathogenic (1 of 4 stars; one submission).

Conditions:
VPS13A-related neurodegenerative disease. Also called: ACANTHOCYTOSIS WITH NEUROLOGIC DISORDER; LEVINE-CRITCHLEY SYNDROME; Choreoacanthocytosis; Chorea-acanthocytosis; Choreaacanthocytosis; VPS13A Disease. Identifiers: Orphanet 2388, MedGen C0393576, MONDO:0008695, OMIM 200150.

Submission:

Myriad Genetics, Inc.
Classification: Pathogenic for VPS13A-related neurodegenerative disease. Last evaluated: 2024-05-14. Review status: criteria provided, single submitter. Criteria: Myriad Autosomal Dominant, Autosomal Recessive and X-Linked Classification Criteria (2023). Collection method: clinical testing. Allele origin: unknown.
Comment: NM_033305.2(VPS13A):c.7662_7663ins11(V2555Yfs*19) is expected to be pathogenic in the context of VPS13A disease. This variant is predicted to lead to an abnormal or absent protein product due to the creation of a premature termination codon in VPS13A, a gene where loss-of-function variants are known to be pathogenic. Please note: this variant was assessed in the context of healthy population screening.